The following is an entry in ClinVar:

NM_013382.7(POMT2):c.128A>G (p.Lys43Arg)

Gene: POMT2 (protein O-mannosyltransferase 2; minus strand). Cytogenetic location: 14q24.3.
Variant type: single nucleotide variant.
Coding change: c.128A>G on transcript NM_013382.7 (MANE Select); coding-DNA position 128, A replaced by G.
Protein change: p.Lys43Arg; replaces lysine 43 with arginine.
Molecular consequence: missense variant.
Genome position (GRCh38, 1-based): chr14:77,320,554, T>C on the plus strand (A>G on the coding strand, the complement: POMT2 is on the minus strand). VCF-style: chr14-77320554-T-C. GRCh37 (hg19) VCF-style: chr14-77786897-T-C.
Other names: short protein forms K43R.
Identifiers: ClinVar variation 451573 (VCV000451573.17), dbSNP rs745417690, ClinGen allele CA7286272.

ClinVar aggregate classification (germline): Uncertain significance. Review status: criteria provided, multiple submitters, no conflicts (2 of 4 stars). 5 submissions from 5 submitters: Uncertain significance (5). Last evaluated 2025-12-18.

Conditions:
Inborn genetic diseases. Identifiers: MedGen C0950123, MeSH D030342.
Muscular dystrophy-dystroglycanopathy (congenital with brain and eye anomalies), type A2. Also called: MUSCULAR DYSTROPHY-DYSTROGLYCANOPATHY (CONGENITAL WITH BRAIN AND EYE ANOMALIES), TYPE A, 2; WALKER-WARBURG SYNDROME OR MUSCLE-EYE-BRAIN DISEASE, POMT2-RELATED. Identifiers: Orphanet 588, Orphanet 899, MedGen C3150411, MONDO:0013154, OMIM 613150.
Muscular dystrophy-dystroglycanopathy (congenital with impaired intellectual development), type B, 2. Also called: Muscular dystrophy-dystroglycanopathy (congenital with intellectual disability), type B2; MUSCULAR DYSTROPHY, CONGENITAL, POMT2-RELATED. Identifiers: MedGen C3150416, MONDO:0013160, OMIM 613156.
Autosomal recessive limb-girdle muscular dystrophy type 2N. Also called: MUSCULAR DYSTROPHY-DYSTROGLYCANOPATHY, LIMB-GIRDLE, POMT2-RELATED; Muscular dystrophy-dystroglycanopathy (limb-girdle), type C, 2. Identifiers: Orphanet 206559, MedGen C3150418, MONDO:0013162, OMIM 613158.

Allele frequency attached by ClinVar (database versions not stated): gnomAD 0.00003 and 0.00004; TOPMed 0.00006; ExAC 0.00036; gnomAD exomes 0.00006 and 0.00012.
gnomAD v4.1: 90 of 1,567,732 alleles (0.0057%); highest among the groups gnomAD compares: East Asian, 0.03%; no homozygotes.

Submissions (5):

Ambry Genetics
Classification: Uncertain significance for Inborn genetic diseases. Last evaluated: 2025-12-18. Review status: criteria provided, single submitter. Criteria: Ambry Variant Classification Scheme 2023. Collection method: clinical testing. Allele origin: germline.

Revvity Omics, Revvity
Classification: Uncertain significance. Last evaluated: 2025-08-07. Review status: criteria provided, single submitter. Criteria: ACMG Guidelines, 2015. Collection method: clinical testing. Allele origin: germline.

Labcorp Genetics (formerly Invitae), Labcorp
Classification: Uncertain significance for Muscular dystrophy-dystroglycanopathy (congenital with impaired intellectual development), type B, 2; Muscular dystrophy-dystroglycanopathy (congenital with brain and eye anomalies), type A2; Autosomal recessive limb-girdle muscular dystrophy type 2N. Last evaluated: 2022-10-24. Review status: criteria provided, single submitter. Criteria: Invitae Variant Classification Sherloc (09022015). Collection method: clinical testing. Allele origin: germline.
Comment: This sequence change replaces lysine, which is basic and polar, with arginine, which is basic and polar, at codon 43 of the POMT2 protein (p.Lys43Arg). This variant is present in population databases (rs745417690, gnomAD 0.08%). This variant has not been reported in the literature in individuals affected with POMT2-related conditions. ClinVar contains an entry for this variant (Variation ID: 451573). Algorithms developed to predict the effect of missense changes on protein structure and function (SIFT, PolyPhen-2, Align-GVGD) all suggest that this variant is likely to be tolerated. In summary, the available evidence is currently insufficient to determine the role of this variant in disease. Therefore, it has been classified as a Variant of Uncertain Significance.

GeneDx
Classification: Uncertain significance. Last evaluated: 2017-08-23. Review status: criteria provided, single submitter. Criteria: GeneDx Variant Classification (06012015). Collection method: clinical testing. Allele origin: germline. Affected: yes.
Comment: The K43R variant has not been published as a pathogenic variant, nor has it been reported as a benign variant to our knowledge. The K43R variant is observed in 9/10,748 (0.09%) alleles from individuals of European background (Lek et al., 2016; 1000 Genomes Consortium et al., 2015; Exome Variant Server). This variant is a conservative amino acid substitution, which is not likely to impact secondary protein structure as these residues share similar properties. However, this substitution occurs at a position that is conserved in mammals. In silico analysis is inconsistent in its predictions as to whether or not the variant is damaging to the protein structure/function.

Eurofins Ntd Llc (ga)
Classification: Uncertain significance. Last evaluated: 2016-12-28. Review status: criteria provided, single submitter. Criteria: EGL Classification Definitions 2015. Collection method: clinical testing. Allele origin: germline. Observed: 1 variant allele, 1 heterozygote.